The following is an entry in ClinVar:

NM_173543.3(DZIP1L):c.1079A>G (p.Gln360Arg)

Gene: DZIP1L (DAZ interacting zinc finger protein 1 like; minus strand). Cytogenetic location: 3q22.3.
Variant type: single nucleotide variant.
Coding change: c.1079A>G on transcript NM_173543.3 (MANE Select); coding-DNA position 1079, A replaced by G.
Protein change: p.Gln360Arg; replaces glutamine 360 with arginine.
Molecular consequence: missense variant.
Genome position (GRCh38, 1-based): chr3:138,084,237, T>C on the plus strand (A>G on the coding strand, the complement: DZIP1L is on the minus strand). VCF-style: chr3-138084237-T-C. GRCh37 (hg19) VCF-style: chr3-137803079-T-C.
Other names: c.1079A>G, p.Gln360Arg (NM_001170538.1); short protein forms Q360R.
Identifiers: ClinVar variation 726389 (VCV000726389.11), dbSNP rs148073431, ClinGen allele CA2635033.

ClinVar aggregate classification (germline): Likely benign. Review status: criteria provided, multiple submitters, no conflicts (2 of 4 stars). 3 submissions from 3 submitters: Likely benign (2). 1 of the submissions does not count toward it. Last evaluated 2026-01-15.

Conditions:
DZIP1L-related disorder. Also called: DZIP1L-related condition.

Allele frequency attached by ClinVar (database versions not stated): 1000 Genomes Project 0.00180; 1000 Genomes Project 30x 0.00203; gnomAD exomes 0.00026 and 0.00100; ESP Exome Variant Server 0.00031; gnomAD 0.00067 and 0.00070; ExAC 0.00084; TOPMed 0.00094.
gnomAD v4.1: 495 of 1,614,028 alleles (0.031%); highest among the groups gnomAD compares: Admixed American, 0.56%; 1 homozygote.

Submissions (3):

Labcorp Genetics (formerly Invitae), Labcorp
Classification: Likely benign. Last evaluated: 2026-01-15. Review status: criteria provided, single submitter. Criteria: Invitae Variant Classification Sherloc (09022015). Collection method: clinical testing. Allele origin: germline.

Breakthrough Genomics
Classification: Likely benign. Review status: criteria provided, single submitter. Criteria: ACMG Guidelines, 2015. Collection method: not provided. Allele origin: germline. Inheritance: Autosomal recessive inheritance. Affected: yes.

PreventionGenetics, part of Exact Sciences
Classification: Likely benign for DZIP1L-related condition. Last evaluated: 2024-08-07. Review status: no assertion criteria provided. Collection method: clinical testing. Allele origin: germline. Not counted in ClinVar's aggregate classification.
Comment: This variant is classified as likely benign based on ACMG/AMP sequence variant interpretation guidelines (Richards et al. 2015 PMID: 25741868, with internal and published modifications).